The following is an entry in ClinVar:

ClinVar aggregate classification (germline): Uncertain significance (1 of 4 stars; one submission).

Submission:

GeneDx
Classification: Uncertain significance. Last evaluated: 2026-02-24. Review status: criteria provided, single submitter. Criteria: GeneDx Variant Classification Process June 2021. Collection method: clinical testing. Allele origin: germline.
Comment: Not observed at significant frequency in large population cohorts (gnomAD); In silico analysis supports that this missense variant has a deleterious effect on protein structure/function; Has not been previously published as pathogenic or benign to our knowledge

NM_003070.5(SMARCA2):c.3152A>C (p.Lys1051Thr)

Gene: SMARCA2 (SWI/SNF related BAF chromatin remodeling complex subunit ATPase 2; plus strand). Cytogenetic location: 9p24.3.
Variant type: single nucleotide variant.
Coding change: c.3152A>C on transcript NM_003070.5 (MANE Select); coding-DNA position 3152, A replaced by C.
Protein change: p.Lys1051Thr; replaces lysine 1051 with threonine.
Molecular consequence: missense variant.
Genome position (GRCh38, 1-based): chr9:2,104,029, A>C. VCF-style: chr9-2104029-A-C. GRCh37 (hg19) VCF-style: chr9-2104029-A-C.
Other names: c.3152A>C, p.Lys1051Thr (NM_001289396.2, NM_139045.4); c.2978A>C, p.Lys993Thr (NM_001289397.2); short protein forms K1051T, K993T.
Identifiers: ClinVar variation 5009912 (VCV005009912.1).